The following is an entry in ClinVar:

ClinVar aggregate classification (germline): Uncertain significance (1 of 4 stars; one submission).

Conditions:
Inborn genetic diseases. Identifiers: MedGen C0950123, MeSH D030342.

Submission:

Ambry Genetics
Classification: Uncertain significance for Inborn genetic diseases. Last evaluated: 2026-07-03. Review status: criteria provided, single submitter. Criteria: Ambry Variant Classification Scheme 2023. Collection method: clinical testing. Allele origin: germline.
Comment: The c.1305T>A (p.D435E) alteration is located in exon 12 (coding exon 12) of the PLOD3 gene. This alteration results from a T to A substitution at nucleotide position 1305, causing the aspartic acid (D) at amino acid position 435 to be replaced by a glutamic acid (E). Based on data from gnomAD, the A allele has an overall frequency of <0.001% (1/236176) total alleles studied. The highest observed frequency was 0.007% (1/14862) of African alleles. Based on insufficient or conflicting evidence, the clinical significance of this alteration remains unclear.

NM_001084.5(PLOD3):c.1305T>A (p.Asp435Glu)

Gene: PLOD3 (procollagen-lysine,2-oxoglutarate 5-dioxygenase 3; minus strand). Cytogenetic location: 7q22.1.
Variant type: single nucleotide variant.
Coding change: c.1305T>A on transcript NM_001084.5 (MANE Select); coding-DNA position 1305, T replaced by A.
Protein change: p.Asp435Glu; replaces aspartic acid 435 with glutamic acid.
Molecular consequence: missense variant.
Genome position (GRCh38, 1-based): chr7:101,211,644, A>T on the plus strand (T>A on the coding strand, the complement: PLOD3 is on the minus strand). VCF-style: chr7-101211644-A-T. GRCh37 (hg19) VCF-style: chr7-100854925-A-T.
Other names: short protein forms D435E.
Identifiers: ClinVar variation 5026860 (VCV005026860.1).